The following is an entry in ClinVar:

ClinVar aggregate classification (germline): Uncertain significance (1 of 4 stars; one submission).

Conditions:
Congenital contractural arachnodactyly (CCA). Also called: Beals-Hecht syndrome; BEALS SYNDROME; Arthrogryposis, distal, type 9. Identifiers: Orphanet 115, MedGen C0220668, MONDO:0007363, OMIM 121050.

gnomAD v4.1: 1 of 1,613,288 alleles (0.000062%); highest among the groups gnomAD compares: East Asian, 0.0022%; no homozygotes.

Submission:

Labcorp Genetics (formerly Invitae), Labcorp
Classification: Uncertain significance for Congenital contractural arachnodactyly. Last evaluated: 2019-08-30. Review status: criteria provided, single submitter. Criteria: Invitae Variant Classification Sherloc (09022015). Collection method: clinical testing. Allele origin: germline.
Comment: This variant has not been reported in the literature in individuals with FBN2-related disease. This variant is not present in population databases (ExAC no frequency). This sequence change replaces threonine with arginine at codon 952 of the FBN2 protein (p.Thr952Arg). The threonine residue is moderately conserved and there is a moderate physicochemical difference between threonine and arginine. Algorithms developed to predict the effect of missense changes on protein structure and function are either unavailable or do not agree on the potential impact of this missense change (SIFT: "Deleterious"; PolyPhen-2: "Benign"; Align-GVGD: "Class C0"). In summary, the available evidence is currently insufficient to determine the role of this variant in disease. Therefore, it has been classified as a Variant of Uncertain Significance.

NM_001999.4(FBN2):c.2855C>G (p.Thr952Arg)

Gene: FBN2 (fibrillin 2; minus strand). Cytogenetic location: 5q23.3.
Variant type: single nucleotide variant.
Coding change: c.2855C>G on transcript NM_001999.4 (MANE Select); coding-DNA position 2855, C replaced by G.
Protein change: p.Thr952Arg; replaces threonine 952 with arginine.
Molecular consequence: missense variant.
Genome position (GRCh38, 1-based): chr5:128,349,963, G>C on the plus strand (C>G on the coding strand, the complement: FBN2 is on the minus strand). VCF-style: chr5-128349963-G-C. GRCh37 (hg19) VCF-style: chr5-127685655-G-C.
Other names: short protein forms T952R.
Identifiers: ClinVar variation 658870 (VCV000658870.11), dbSNP rs766590294, ClinGen allele CA360765958.